The following is an entry in ClinVar:

NM_004310.5(RHOH):c.226G>C (p.Ala76Pro)

Gene: RHOH (ras homolog family member H; plus strand). Cytogenetic location: 4p14.
Variant type: single nucleotide variant.
Coding change: c.226G>C on transcript NM_004310.5 (MANE Select); coding-DNA position 226, G replaced by C.
Protein change: p.Ala76Pro; replaces alanine 76 with proline.
Molecular consequence: missense variant.
Genome position (GRCh38, 1-based): chr4:40,243,612, G>C. VCF-style: chr4-40243612-G-C. GRCh37 (hg19) VCF-style: chr4-40245232-G-C.
Other names: c.226G>C, p.Ala76Pro (NM_001278359.2, NM_001278360.2, NM_001278361.2 and 8 more transcripts); short protein forms A76P.
Identifiers: ClinVar variation 1380928 (VCV001380928.6), dbSNP rs1729530330, ClinGen allele CA356782140.

ClinVar aggregate classification (germline): Uncertain significance (1 of 4 stars; one submission).

Conditions:
T-cell immunodeficiency with epidermodysplasia verruciformis. Identifiers: Orphanet 324294, MedGen C4749500, MONDO:0017925.

Submission:

Labcorp Genetics (formerly Invitae), Labcorp
Classification: Uncertain significance for T-cell immunodeficiency with epidermodysplasia verruciformis. Last evaluated: 2021-11-22. Review status: criteria provided, single submitter. Criteria: Invitae Variant Classification Sherloc (09022015). Collection method: clinical testing. Allele origin: germline.
Comment: This variant has not been reported in the literature in individuals affected with RHOH-related conditions. This variant is not present in population databases (gnomAD no frequency). This sequence change replaces alanine, which is neutral and non-polar, with proline, which is neutral and non-polar, at codon 76 of the RHOH protein (p.Ala76Pro). Algorithms developed to predict the effect of missense changes on protein structure and function are either unavailable or do not agree on the potential impact of this missense change (SIFT: "Deleterious"; PolyPhen-2: "Possibly Damaging"; Align-GVGD: "Class C0"). In summary, the available evidence is currently insufficient to determine the role of this variant in disease. Therefore, it has been classified as a Variant of Uncertain Significance.